The following is an entry in ClinVar:

ClinVar aggregate classification (germline): Pathogenic. Review status: reviewed by expert panel (3 of 4 stars). 3 submissions from 3 submitters: Pathogenic (1). 2 of the submissions do not count toward it. Last evaluated 2016-10-18.

Conditions:
Hereditary breast ovarian cancer syndrome. Also called: Hereditary breast and ovarian cancer syndrome (HBOC); Breast and ovarian cancer; Hereditary breast and ovarian cancer syndrome; Hereditary breast and ovarian cancer; BRCA1- and BRCA2-Associated Hereditary Breast and Ovarian Cancer; Hereditary breast and/or ovarian cancer syndrome. Identifiers: Orphanet 145, MedGen C0677776, MeSH D061325, MONDO:0003582. Disease mechanism: loss of function.
Breast-ovarian cancer, familial, susceptibility to, 1 (BROVCA1). Also called: BRCA1 Hereditary Breast and Ovarian Cancer; OVARIAN CANCER, SUSCEPTIBILITY TO. Identifiers: Orphanet 145, MedGen C2676676, MONDO:0011450, OMIM 604370. Disease mechanism: loss of function.

Submissions (3):

Evidence-based Network for the Interpretation of Germline Mutant Alleles (ENIGMA)
Classification: Pathogenic for Breast-ovarian cancer, familial, susceptibility to, 1. Last evaluated: 2016-10-18. Review status: reviewed by expert panel. Criteria: ENIGMA BRCA1/2 Classification Criteria (2015). Collection method: curation. Allele origin: germline.
Comment: Variant allele predicted to encode a truncated non-functional protein.

Labcorp Genetics (formerly Invitae), Labcorp
Classification: Pathogenic for Hereditary breast ovarian cancer syndrome. Last evaluated: 2025-04-02. Review status: criteria provided, single submitter. Criteria: Invitae Variant Classification Sherloc (09022015). Collection method: clinical testing. Allele origin: germline. Not counted in ClinVar's aggregate classification.
Comment: This sequence change creates a premature translational stop signal (p.Cys644Valfs*7) in the BRCA1 gene. It is expected to result in an absent or disrupted protein product. Loss-of-function variants in BRCA1 are known to be pathogenic (PMID: 20104584). This variant is not present in population databases (gnomAD no frequency). This variant has not been reported in the literature in individuals affected with BRCA1-related conditions. ClinVar contains an entry for this variant (Variation ID: 266202). For these reasons, this variant has been classified as Pathogenic.

Consortium of Investigators of Modifiers of BRCA1/2 (CIMBA), c/o University of Cambridge
Classification: Pathogenic for Breast-ovarian cancer, familial, susceptibility to, 1. Last evaluated: 2015-10-02. Review status: criteria provided, single submitter. Criteria: CIMBA Mutation Classification guidelines May 2016. Collection method: clinical testing. Allele origin: germline. Not counted in ClinVar's aggregate classification.

Literature cited by the submitters: PubMed 20104584 (cited by Labcorp Genetics (formerly Invitae), Labcorp).

NM_007294.4(BRCA1):c.1930del (p.Cys644fs)

Gene: BRCA1 (BRCA1 DNA repair associated; minus strand). Cytogenetic location: 17q21.31.
Variant type: Deletion.
Coding change: c.1930del on transcript NM_007294.4 (MANE Select); coding-DNA position 1930, one base deleted (T; older notation c.1930delT).
Protein change: p.Cys644fs; shifts the reading frame from cysteine 644.
Molecular consequence: frameshift variant. On other transcripts: intron variant (137).
Genome position (GRCh38, 1-based): chr17:43,093,601, A deleted on the plus strand (T on the coding strand, the reverse complement: BRCA1 is on the minus strand); the first of 2 consecutive A bases (chr17:43,093,601-43,093,602); deleting either gives the same sequence. VCF-style (leftmost placement, unchanged base first): chr17-43093600-CA-C. GRCh37 (hg19) VCF-style: chr17-41245617-CA-C.
Other names: 2049delT-ter650; c.664+1143del (NM_001408426.1, NM_001408436.1, NM_001408444.1 and 12 more transcripts); c.787+1143del (NM_001407982.1, NM_001407970.1, NM_001407980.1 and 19 more transcripts); c.1717del, p.Cys573fs (NM_001407571.1, NM_001407853.1, NM_001407894.1 and 9 more transcripts); c.1930del, p.Cys644fs (NM_001407581.1, NM_001407582.1, NM_001407583.1 and 30 more transcripts); c.1927del, p.Cys643fs (NM_001407587.1, NM_001407590.1, NM_001407591.1 and 22 more transcripts); c.1921del, p.Cys641fs (NM_001407646.1, NM_001407647.1); c.1807del, p.Cys603fs (NM_001407648.1, NM_001407664.1, NM_001407665.1 and 19 more transcripts); and 42 more; short protein forms C597fs, C644fs, C517fs, C602fs, C617fs, C618fs, C641fs, C643fs.
Identifiers: ClinVar variation 266202 (VCV000266202.11), dbSNP rs886039982, ClinGen allele CA10589908.
Genomic context (GRCh38, chr17:43,093,600, plus strand): 5'-CTGCTGTGCCTGACTGGCATTTGGTTGTACTTTTTTTTCTTTATCTCTTCACTGCTAGAA[CA>C]ACTATCAATTTGCAATTCAGTACAATTAGGTGGGCTTAGATTTCTACTGACTACTAGTTC-3'